The following is an entry in ClinVar:

NM_000532.5(PCCB):c.430A>G (p.Ile144Val)

Gene: PCCB (propionyl-CoA carboxylase subunit beta; plus strand). Cytogenetic location: 3q22.3.
Variant type: single nucleotide variant.
Coding change: c.430A>G on transcript NM_000532.5 (MANE Select); coding-DNA position 430, A replaced by G.
Protein change: p.Ile144Val; replaces isoleucine 144 with valine.
Molecular consequence: missense variant.
Genome position (GRCh38, 1-based): chr3:136,261,952, A>G. VCF-style: chr3-136261952-A-G. GRCh37 (hg19) VCF-style: chr3-135980794-A-G.
Other names: c.430A>G (NM_000532.4); c.490A>G, p.Ile164Val (NM_001178014.2); short protein forms I144V, I164V.
Identifiers: ClinVar variation 2144657 (VCV002144657.2), dbSNP rs1305350601, ClinGen allele CA354739501.

ClinVar aggregate classification (germline): Uncertain significance. Review status: criteria provided, multiple submitters, no conflicts (2 of 4 stars). 2 submissions from 2 submitters: Uncertain significance (2). Last evaluated 2024-12-03.

Conditions:
Inborn genetic diseases. Identifiers: MedGen C0950123, MeSH D030342.
Propionic acidemia (PROP). Also called: GLYCINEMIA, KETOTIC; HYPERGLYCINEMIA WITH KETOACIDOSIS AND LEUKOPENIA; KETOTIC HYPERGLYCINEMIA. Identifiers: Orphanet 35, MedGen C0268579, MONDO:0011628, OMIM 606054, HP:0003571.

Allele frequency attached by ClinVar (database versions not stated): gnomAD exomes below 0.00001; gnomAD 0.00001; TOPMed 0.00001.
gnomAD v4.1: 7 of 1,544,256 alleles (0.00045%); highest among the groups gnomAD compares: East Asian, 0.014%; no homozygotes.

Submissions (2):

Ambry Genetics
Classification: Uncertain significance for Inborn genetic diseases. Last evaluated: 2024-12-03. Review status: criteria provided, single submitter. Criteria: Ambry Variant Classification Scheme 2023. Collection method: clinical testing. Allele origin: germline.

Labcorp Genetics (formerly Invitae), Labcorp
Classification: Uncertain significance for Propionic acidemia. Last evaluated: 2022-08-17. Review status: criteria provided, single submitter. Criteria: Invitae Variant Classification Sherloc (09022015). Collection method: clinical testing. Allele origin: germline.
Comment: This sequence change replaces isoleucine, which is neutral and non-polar, with valine, which is neutral and non-polar, at codon 144 of the PCCB protein (p.Ile144Val). This variant is present in population databases (no rsID available, gnomAD 0.03%). This variant has not been reported in the literature in individuals affected with PCCB-related conditions. Algorithms developed to predict the effect of missense changes on protein structure and function (SIFT, PolyPhen-2, Align-GVGD) all suggest that this variant is likely to be tolerated. Algorithms developed to predict the effect of sequence changes on RNA splicing suggest that this variant may create or strengthen a splice site. In summary, the available evidence is currently insufficient to determine the role of this variant in disease. Therefore, it has been classified as a Variant of Uncertain Significance.